The following is an entry in ClinVar:

ClinVar aggregate classification (germline): Likely benign (1 of 4 stars; one submission).

Conditions:
NEDD4-related disorder. Also called: NEDD4-related condition.

gnomAD v4.1: 7 of 1,478,774 alleles (0.00047%); highest among the groups gnomAD compares: Admixed American, 0.0027%; no homozygotes.

Submission:

PreventionGenetics, part of Exact Sciences
Classification: Likely benign for NEDD4-related condition. Last evaluated: 2024-10-15. Review status: criteria provided, single submitter. Criteria: ACMG Guidelines, 2015. Collection method: clinical testing. Allele origin: germline.
Comment: This variant is classified as likely benign based on ACMG/AMP sequence variant interpretation guidelines (Richards et al. 2015 PMID: 25741868, with internal and published modifications).

NM_006154.4(NEDD4):c.126T>G (p.Pro42=)

Gene: NEDD4 (NEDD4 E3 ubiquitin protein ligase; minus strand). Cytogenetic location: 15q21.3.
Variant type: single nucleotide variant.
Coding change: c.126T>G on transcript NM_006154.4 (MANE Select); coding-DNA position 126, T replaced by G.
Protein change: p.Pro42=; no amino-acid change (proline 42 retained).
Molecular consequence: synonymous variant. On other transcripts: 5 prime UTR variant (1).
Genome position (GRCh38, 1-based): chr15:55,951,583, A>C on the plus strand (T>G on the coding strand, the complement: NEDD4 is on the minus strand). VCF-style: chr15-55951583-A-C. GRCh37 (hg19) VCF-style: chr15-56243781-A-C.
Other names: c.-341T>G (NM_001329212.2).
Identifiers: ClinVar variation 4985202 (VCV004985202.1).